The following is an entry in ClinVar:

NM_000069.3(CACNA1S):c.2089G>A (p.Glu697Lys)

Gene: CACNA1S (calcium voltage-gated channel subunit alpha1 S; minus strand). Cytogenetic location: 1q32.1.
Variant type: single nucleotide variant.
Coding change: c.2089G>A on transcript NM_000069.3 (MANE Select); coding-DNA position 2089, G replaced by A.
Protein change: p.Glu697Lys; replaces glutamic acid 697 with lysine.
Molecular consequence: missense variant.
Genome position (GRCh38, 1-based): chr1:201,073,617, C>T on the plus strand (G>A on the coding strand, the complement: CACNA1S is on the minus strand). VCF-style: chr1-201073617-C-T. GRCh37 (hg19) VCF-style: chr1-201042745-C-T.
Other names: short protein forms E697K.
Identifiers: ClinVar variation 1433748 (VCV001433748.6), dbSNP rs750141331, ClinGen allele CA078800.

ClinVar aggregate classification (germline): Uncertain significance (1 of 4 stars; one submission).

Conditions:
Hypokalemic periodic paralysis, type 1. Also called: Hypokalemic Periodic Paralysis Type 1 (AD); HypoPP. Identifiers: Orphanet 681, MedGen C3714580, MONDO:0042979, OMIM 170400.
Malignant hyperthermia, susceptibility to, 5 (MHS5). Also called: CACNA1S-Related Malignant Hyperthermia Susceptibility. Identifiers: Orphanet 423, MedGen C1866077, MONDO:0011163, OMIM 601887.

Allele frequency attached by ClinVar (database versions not stated): gnomAD exomes below 0.00001; TOPMed below 0.00001; ExAC 0.00001.
gnomAD v4.1: 2 of 1,614,168 alleles (0.00012%); highest among the groups gnomAD compares: Non-Finnish European, 0.00017%; no homozygotes.

Submission:

Labcorp Genetics (formerly Invitae), Labcorp
Classification: Uncertain significance for Hypokalemic periodic paralysis, type 1; Malignant hyperthermia, susceptibility to, 5. Last evaluated: 2025-09-16. Review status: criteria provided, single submitter. Criteria: Invitae Variant Classification Sherloc (09022015). Collection method: clinical testing. Allele origin: germline.
Comment: This sequence change replaces glutamic acid, which is acidic and polar, with lysine, which is basic and polar, at codon 697 of the CACNA1S protein (p.Glu697Lys). This variant is present in population databases (rs750141331, gnomAD 0.0009%). This variant has not been reported in the literature in individuals affected with CACNA1S-related conditions. ClinVar contains an entry for this variant (Variation ID: 1433748). Invitae Evidence Modeling of protein sequence and biophysical properties (such as structural, functional, and spatial information, amino acid conservation, physicochemical variation, residue mobility, and thermodynamic stability) indicates that this missense variant is not expected to disrupt CACNA1S protein function with a negative predictive value of 95%. In summary, the available evidence is currently insufficient to determine the role of this variant in disease. Therefore, it has been classified as a Variant of Uncertain Significance.